The following is an entry in ClinVar:

ClinVar aggregate classification (germline): Uncertain significance (1 of 4 stars; one submission).

Conditions:
Hereditary nonpolyposis colorectal neoplasms. Identifiers: MedGen C0009405, MeSH D003123.

Submission:

Labcorp Genetics (formerly Invitae), Labcorp
Classification: Uncertain significance for Hereditary nonpolyposis colorectal neoplasms. Last evaluated: 2023-11-21. Review status: criteria provided, single submitter. Criteria: Invitae Variant Classification Sherloc (09022015). Collection method: clinical testing. Allele origin: germline.
Comment: This sequence change replaces threonine, which is neutral and polar, with serine, which is neutral and polar, at codon 37 of the PMS2 protein (p.Thr37Ser). This variant is not present in population databases (gnomAD no frequency). This variant has not been reported in the literature in individuals affected with PMS2-related conditions. Advanced modeling of protein sequence and biophysical properties (such as structural, functional, and spatial information, amino acid conservation, physicochemical variation, residue mobility, and thermodynamic stability) performed at Invitae indicates that this missense variant is not expected to disrupt PMS2 protein function with a negative predictive value of 80%. In summary, the available evidence is currently insufficient to determine the role of this variant in disease. Therefore, it has been classified as a Variant of Uncertain Significance.

NM_000535.7(PMS2):c.109A>T (p.Thr37Ser)

Gene: PMS2 (PMS1 homolog 2, mismatch repair system component; minus strand). Cytogenetic location: 7p22.1.
Variant type: single nucleotide variant.
Coding change: c.109A>T on transcript NM_000535.7 (MANE Select); coding-DNA position 109, A replaced by T.
Protein change: p.Thr37Ser; replaces threonine 37 with serine.
Molecular consequence: missense variant. On other transcripts: 5 prime UTR variant (38), non-coding transcript variant (1), intron variant (7).
Genome position (GRCh38, 1-based): chr7:6,005,946, T>A on the plus strand (A>T on the coding strand, the complement: PMS2 is on the minus strand). VCF-style: chr7-6005946-T-A. GRCh37 (hg19) VCF-style: chr7-6045577-T-A.
Other names: c.-297A>T (NM_001018040.1, NM_001322003.2, NM_001322005.2 and 11 more transcripts); c.109A>T, p.Thr37Ser (NM_001322006.2, NM_001322014.2, NM_001406868.1 and 10 more transcripts); c.-107A>T (NM_001322007.2, NM_001406876.1, NM_001406883.1 and 4 more transcripts); c.-776A>T (NM_001322011.2, NM_001322012.2); c.-376A>T (NM_001322015.2, NM_001406875.1, NM_001406877.1 and 2 more transcripts); c.295A>T, p.Thr99Ser (NM_001406866.1); c.-323A>T (NM_001406880.1); c.-244A>T (NM_001406888.1, NM_001406889.1, NM_001406892.1 and 5 more transcripts); and 7 more; short protein forms T99S, T37S.
Identifiers: ClinVar variation 2883889 (VCV002883889.3), dbSNP rs876659883, ClinGen allele CA366745047.